The following is an entry in ClinVar:

NM_005359.6(SMAD4):c.425-3A>G

Gene: SMAD4 (SMAD family member 4; plus strand). Cytogenetic location: 18q21.2.
Variant type: single nucleotide variant.
Coding change: c.425-3A>G on transcript NM_005359.6 (MANE Select); 3 bases into the intron before coding-DNA position 425, A replaced by G.
Molecular consequence: intron variant.
Genome position (GRCh38, 1-based): chr18:51,049,292, A>G. VCF-style: chr18-51049292-A-G. GRCh37 (hg19) VCF-style: chr18-48575662-A-G.
Identifiers: ClinVar variation 824727 (VCV000824727.7), dbSNP rs1599182874, ClinGen allele CA915951528.
Genomic context (GRCh38, chr18:51,049,292, plus strand): 5'-AATGGAAAATACTTTCATTGTAATGATTAATGTTTCATTTGTTTTCCCCTTTAAACAATT[A>G]AGATCTCTCAGGATTAACACTGCAGAGTAATGGTAGGTAATCTGTTTCTTACTACTTTCT-3'

ClinVar aggregate classification (germline): Uncertain significance. Review status: criteria provided, multiple submitters, no conflicts (2 of 4 stars). 2 submissions from 2 submitters: Uncertain significance (2). Last evaluated 2025-05-05.

Conditions:
Juvenile polyposis syndrome (JPS). Identifiers: Orphanet 2929, MedGen C0345893, MONDO:0017380, OMIM 174900.
Hereditary cancer-predisposing syndrome. Also called: Neoplastic Syndromes, Hereditary; Hereditary Cancer Syndrome; Hereditary neoplastic syndrome; Tumor predisposition. Identifiers: Orphanet 140162, MedGen C0027672, MeSH D009386, MONDO:0015356.
Familial thoracic aortic aneurysm and aortic dissection (TAAD). Also called: Thoracic aortic aneurysms and dissections. Identifiers: Orphanet 91387, MedGen C4707243, MONDO:0019625.

Allele frequency attached by ClinVar (database versions not stated): gnomAD exomes below 0.00001.
gnomAD v4.1: 1 of 1,577,000 alleles (0.000063%); highest among the groups gnomAD compares: East Asian, 0.0022%; no homozygotes.

Submissions (2):

Labcorp Genetics (formerly Invitae), Labcorp
Classification: Uncertain significance for Juvenile polyposis syndrome. Last evaluated: 2025-05-05. Review status: criteria provided, single submitter. Criteria: Invitae Variant Classification Sherloc (09022015). Collection method: clinical testing. Allele origin: germline.
Comment: This sequence change falls in intron 3 of the SMAD4 gene. It does not directly change the encoded amino acid sequence of the SMAD4 protein. It affects a nucleotide within the consensus splice site. This variant is not present in population databases (gnomAD no frequency). This variant has not been reported in the literature in individuals affected with SMAD4-related conditions. ClinVar contains an entry for this variant (Variation ID: 824727). Variants that disrupt the consensus splice site are a relatively common cause of aberrant splicing (PMID: 17576681, 9536098). Algorithms developed to predict the effect of sequence changes on RNA splicing suggest that this variant may disrupt the consensus splice site. In summary, the available evidence is currently insufficient to determine the role of this variant in disease. Therefore, it has been classified as a Variant of Uncertain Significance.

Ambry Genetics
Classification: Uncertain significance for Hereditary cancer-predisposing syndrome; Familial thoracic aortic aneurysm and aortic dissection. Last evaluated: 2019-05-22. Review status: criteria provided, single submitter. Criteria: Ambry Variant Classification Scheme 2023. Collection method: clinical testing. Allele origin: germline.
Comment: The c.425-3A>G intronic variant results from an A to G substitution 3 nucleotides upstream from coding exon 3 in the SMAD4 gene. Using the BDGP and ESEfinder splice site prediction tools, this alteration is not predicted to have any significant effect on this splice acceptor site; however, direct evidence is unavailable. Since supporting evidence is limited at this time, the clinical significance of this alteration remains unclear.

Literature cited by the submitters: PubMed 17576681 (cited by Labcorp Genetics (formerly Invitae), Labcorp); PubMed 9536098 (cited by Labcorp Genetics (formerly Invitae), Labcorp).